The following is an entry in ClinVar:

NM_001244008.2(KIF1A):c.-65G>A

Gene: KIF1A (kinesin family member 1A; minus strand). Cytogenetic location: 2q37.3.
Variant type: single nucleotide variant.
Coding change: c.-65G>A on transcript NM_001244008.2 (MANE Select); 65 bases upstream of the start codon, G replaced by A.
Molecular consequence: 5 prime UTR variant. On other transcripts: intron variant (4).
Genome position (GRCh38, 1-based): chr2:240,820,126, C>T on the plus strand (G>A on the coding strand, the complement: KIF1A is on the minus strand). VCF-style: chr2-240820126-C-T. GRCh37 (hg19) VCF-style: chr2-241759543-C-T.
Other names: c.-65G>A (NM_001320705.2, NM_001330289.2, NM_001330290.2 and 15 more transcripts); c.-61+1214G>A (NM_001379653.1); c.-61+790G>A (NM_001379650.1, NM_001379645.1, NM_001379635.1).
Identifiers: ClinVar variation 682293 (VCV000682293.1), dbSNP rs975475541, ClinGen allele CA68159287.

ClinVar aggregate classification (germline): Likely benign (1 of 4 stars; one submission).

Allele frequency attached by ClinVar (database versions not stated): gnomAD 0.00014 and 0.00015; TOPMed 0.00014.

Submission:

GeneDx
Classification: Likely benign. Last evaluated: 2018-04-25. Review status: criteria provided, single submitter. Criteria: GeneDx Variant Classification (06012015). Collection method: clinical testing. Allele origin: germline. Affected: yes.
Comment: This variant is considered likely benign or benign based on one or more of the following criteria: it is a conservative change, it occurs at a poorly conserved position in the protein, it is predicted to be benign by multiple in silico algorithms, and/or has population frequency not consistent with disease.